The following is an entry in ClinVar:

NM_201384.3(PLEC):c.8269G>A (p.Gly2757Ser)

Gene: PLEC (plectin; minus strand). Cytogenetic location: 8q24.3.
Variant type: single nucleotide variant.
Coding change: c.8269G>A on transcript NM_201384.3 (MANE Select); coding-DNA position 8269, G replaced by A.
Protein change: p.Gly2757Ser; replaces glycine 2757 with serine.
Molecular consequence: missense variant.
Genome position (GRCh38, 1-based): chr8:143,921,552, C>T on the plus strand (G>A on the coding strand, the complement: PLEC is on the minus strand). VCF-style: chr8-143921552-C-T. GRCh37 (hg19) VCF-style: chr8-144995720-C-T.
Other names: c.8227G>A, p.Gly2743Ser (NM_201378.4); c.8203G>A, p.Gly2735Ser (NM_201379.3); c.8680G>A, p.Gly2894Ser (NM_201380.4); c.8350G>A, p.Gly2784Ser (NM_000445.5); c.8173G>A, p.Gly2725Ser (NM_201381.3); c.8269G>A, p.Gly2757Ser (NM_201382.4); c.8281G>A, p.Gly2761Ser (NM_201383.3); short protein forms G2725S, G2735S, G2743S, G2757S, G2761S, G2784S, G2894S.
Identifiers: ClinVar variation 1061566 (VCV001061566.5), dbSNP rs547419860, ClinGen allele CA187612280.
Genomic context (GRCh38, chr8:143,921,552, plus strand): 5'-AGCCAGTGACGGCGCGCTCGGCCGACAGCAGCTTGTGGTGCAGCTCGGGGCCCACCACAC[C>T]CTCCTTCACAGCCTCGTTGACGGTCAGCCGCCGGTTCCGCACAGGGTCCAGCAGGAAGCC-3'
Protein context (NP_958786.1, residues 2747-2767): RLTVNEAVKE[Gly2757Ser]VVGPELHHKL

ClinVar aggregate classification (germline): Uncertain significance (1 of 4 stars; one submission).

Conditions:
Epidermolysis bullosa simplex with nail dystrophy (EBS5D). Identifiers: MedGen C4225309, MONDO:0014661, OMIM 616487.
Epidermolysis bullosa simplex 5C, with pyloric atresia (EBS5C). Also called: PLEC-Related Epidermolysis Bullosa with Pyloric Atresia; Epidermolysis bullosa simplex with pyloric atresia; PLEC1-Related Epidermolysis Bullosa with Pyloric Atresia. Identifiers: Orphanet 158684, MedGen C2677349, MONDO:0012807, OMIM 612138.
Epidermolysis bullosa simplex 5B, with muscular dystrophy (EBS5B). Also called: Epidermolysis bullosa simplex with muscular dystrophy; EPIDERMOLYSIS BULLOSA SIMPLEX AND LIMB-GIRDLE MUSCULAR DYSTROPHY. Identifiers: Orphanet 257, MedGen C2931072, MONDO:0009181, OMIM 226670.
Epidermolysis bullosa simplex, Ogna type (EBS5A). Also called: Pidermolysis bullosa simplex 5A, Ogna type; EPIDERMOLYSIS BULLOSA SIMPLEX 5A, OGNA TYPE. Identifiers: Orphanet 79401, MedGen C0432317, MONDO:0007555, OMIM 131950.
Autosomal recessive limb-girdle muscular dystrophy type 2Q (LGMDR17). Also called: MUSCULAR DYSTROPHY, LIMB-GIRDLE, AUTOSOMAL RECESSIVE 17. Identifiers: Orphanet 254361, MedGen C3150989, MONDO:0013390, OMIM 613723.

Allele frequency attached by ClinVar (database versions not stated): TOPMed below 0.00001; gnomAD exomes below 0.00001; gnomAD 0.00001.
gnomAD v4.1: 7 of 1,612,732 alleles (0.00043%); highest among the groups gnomAD compares: Middle Eastern, 0.017%; no homozygotes.

Submission:

Labcorp Genetics (formerly Invitae), Labcorp
Classification: Uncertain significance for Autosomal recessive limb-girdle muscular dystrophy type 2Q; Epidermolysis bullosa simplex, Ogna type; Epidermolysis bullosa simplex with nail dystrophy; Epidermolysis bullosa simplex 5C, with pyloric atresia; Epidermolysis bullosa simplex 5B, with muscular dystrophy. Last evaluated: 2020-09-02. Review status: criteria provided, single submitter. Criteria: Invitae Variant Classification Sherloc (09022015). Collection method: clinical testing. Allele origin: germline.
Comment: This sequence change replaces glycine with serine at codon 2784 of the PLEC protein (p.Gly2784Ser). The glycine residue is highly conserved and there is a small physicochemical difference between glycine and serine. In summary, the available evidence is currently insufficient to determine the role of this variant in disease. Therefore, it has been classified as a Variant of Uncertain Significance. Algorithms developed to predict the effect of missense changes on protein structure and function output the following: SIFT: "Tolerated"; PolyPhen-2: "Benign"; Align-GVGD: "Class C0". The serine amino acid residue is found in multiple mammalian species, suggesting that this missense change does not adversely affect protein function. These predictions have not been confirmed by published functional studies and their clinical significance is uncertain. This variant has not been reported in the literature in individuals with PLEC-related conditions. This variant is not present in population databases (ExAC no frequency).